The following is an entry in ClinVar:

ClinVar aggregate classification (germline): Pathogenic. Review status: criteria provided, multiple submitters, no conflicts (2 of 4 stars). 13 submissions from 13 submitters: Pathogenic (9). 4 of the submissions do not count toward it. Last evaluated 2025-04-07.

Conditions:
Retinitis pigmentosa 74 (RP74). Identifiers: Orphanet 791, MedGen C4225281, MONDO:0014692, OMIM 616562.
Bardet-Biedl syndrome 2 (BBS2). Identifiers: Orphanet 110, MedGen C2936863, MONDO:0014432, OMIM 615981.
Retinal dystrophy. Also called: Inherited retinal dystrophy. Identifiers: Orphanet 71862, MedGen C0854723, MeSH D058499, MONDO:0019118, HP:0000556.
Bardet-Biedl syndrome (BBS). Identifiers: Orphanet 110, MedGen C0752166, MONDO:0015229.
BBS2-related disorder. Also called: BBS2-related disorders; BBS2-related condition. Identifiers: MedGen CN239228.

Allele frequency attached by ClinVar (database versions not stated): ExAC 0.00001; TOPMed 0.00001; gnomAD exomes 0.00002.
gnomAD v4.1: 6 of 1,614,064 alleles (0.00037%); highest among the groups gnomAD compares: East Asian, 0.0022%; no homozygotes.

Submissions (13):

Natera, Inc.
Classification: Pathogenic for Bardet-Biedl syndrome type 2. Last evaluated: 2025-04-07. Review status: criteria provided, single submitter. Criteria: Natera Variant Classification Schema (03/2026). Collection method: clinical testing. Allele origin: germline.
Comment: The c.814C>T variant in BBS2 is a nonsense variant predicted to introduce a stop codon at amino acid 272. This variant is expected to result in nonsense mediated decay, truncation, or a dysfunctional protein product. This variant is rare in the general population with a frequency below the threshold expected for the associated phenotype(s). This variant has been observed in one or more individuals affected with the associated recessive disease, as either homozygous or compound heterozygous with a second variant (PMID: 11285252). Given the available evidence, this variant is classified as Pathogenic.

Fulgent Genetics
Classification: Pathogenic for Bardet-Biedl syndrome 2; Retinitis pigmentosa 74. Last evaluated: 2024-06-15. Review status: criteria provided, single submitter. Criteria: ACMG Guidelines, 2015. Collection method: clinical testing. Allele origin: germline.

Dept Of Ophthalmology, Nagoya University
Classification: Pathogenic for Retinal dystrophy. Last evaluated: 2023-10-01. Review status: criteria provided, single submitter. Criteria: Submitter's publication. Collection method: research. Allele origin: germline. Affected: yes.

Baylor Genetics
Classification: Pathogenic for Bardet-Biedl syndrome 2. Last evaluated: 2023-09-07. Review status: criteria provided, single submitter. Criteria: ACMG Guidelines, 2015. Collection method: clinical testing. Allele origin: unknown.

Labcorp Genetics (formerly Invitae), Labcorp
Classification: Pathogenic for Bardet-Biedl syndrome. Last evaluated: 2023-06-26. Review status: criteria provided, single submitter. Criteria: Invitae Variant Classification Sherloc (09022015). Collection method: clinical testing. Allele origin: germline.
Comment: This sequence change creates a premature translational stop signal (p.Arg272*) in the BBS2 gene. It is expected to result in an absent or disrupted protein product. Loss-of-function variants in BBS2 are known to be pathogenic (PMID: 11285252, 20177705, 24608809, 26518167). This variant is present in population databases (rs764164384, gnomAD 0.01%). For these reasons, this variant has been classified as Pathogenic. ClinVar contains an entry for this variant (Variation ID: 552219). This premature translational stop signal has been observed in individual(s) with Bardet-Biedl syndrome (PMID: 11285252, 28559085).

Blueprint Genetics
Classification: Pathogenic for BBS2-related disorders. Last evaluated: 2022-06-10. Review status: criteria provided, single submitter. Criteria: ACMG Guidelines, 2015. Collection method: clinical testing. Allele origin: germline. Affected: yes. Observed: 2 variant alleles.

GeneDx
Classification: Pathogenic. Last evaluated: 2022-02-03. Review status: criteria provided, single submitter. Criteria: GeneDx Variant Classification Process June 2021. Collection method: clinical testing. Allele origin: germline. Affected: yes.
Comment: Nonsense variant predicted to result in protein truncation or nonsense-mediated decay in a gene for which loss-of-function is a known mechanism of disease; This variant is associated with the following publications: (PMID: 25525159, 28559085, 25780760, 31196119, 11285252)

Women's Health and Genetics/Laboratory Corporation of America, LabCorp
Classification: Pathogenic for Bardet-Biedl syndrome 2. Last evaluated: 2017-09-08. Review status: criteria provided, single submitter. Criteria: LabCorp Variant Classification Summary - May 2015. Collection method: clinical testing. Allele origin: germline.
Comment: Variant summary: The BBS2 c.814C>T (p.Arg272X) variant results in a premature termination codon, predicted to cause a truncated or absent BBS2 protein due to nonsense mediated decay, which are commonly known mechanisms for disease. A truncation downstream of this position, c.823C>T (p.Arg275X) has been classified as pathogenic by our laboratory. This variant was found in 3/246118 control chromosomes at a frequency of 0.0000122, which does not exceed the estimated maximal expected allele frequency of a pathogenic BBS2 variant (0.0008452). Multiple publications have cited the variant in homozygous affected individuals. The variant of interest has not, to our knowledge, been cited and classified by clinical diagnostic laboratories. Taken together, this variant is classified as pathogenic.

SN ONGC Dept of Genetics and Molecular biology Vision Research Foundation
Classification: Pathogenic for Bardet-Biedl syndrome. Review status: criteria provided, single submitter. Criteria: ACMG Guidelines, 2015. Collection method: research. Allele origin: biparental. Affected: yes.

PreventionGenetics, part of Exact Sciences
Classification: Pathogenic for BBS2-related condition. Last evaluated: 2024-09-20. Review status: no assertion criteria provided. Collection method: clinical testing. Allele origin: germline. Not counted in ClinVar's aggregate classification.
Comment: The BBS2 c.814C>T variant is predicted to result in premature protein termination (p.Arg272*). This variant was found in the homozygous state in multiple individuals with Bardet-Biedl syndrome (see family 4 from Nishimura et al. 2001. PubMed ID: 11285252; Hjortshøj et al. 2010. PubMed ID: 20120035; Redin et al. 2012. PubMed ID: 22773737). This variant is reported in 0.0099% of alleles in individuals of Ashkenazi Jewish descent in gnomAD. Nonsense variants in BBS2 are expected to be pathogenic. This variant is interpreted as pathogenic.

Counsyl
Classification: Pathogenic for Bardet-Biedl syndrome 2. Last evaluated: 2017-05-30. Review status: no assertion criteria provided. Collection method: clinical testing. Allele origin: unknown. Not counted in ClinVar's aggregate classification.

Diagnostic Laboratory, Department of Genetics, University Medical Center Groningen
Classification: Pathogenic. Review status: no assertion criteria provided. Collection method: clinical testing. Allele origin: germline. Affected: yes. Study: VKGL Data-share Consensus. Not counted in ClinVar's aggregate classification.

Joint Genome Diagnostic Labs from Nijmegen and Maastricht, Radboudumc and MUMC+
Classification: Pathogenic. Review status: no assertion criteria provided. Collection method: clinical testing. Allele origin: germline. Affected: yes. Study: VKGL Data-share Consensus. Not counted in ClinVar's aggregate classification.

Literature cited by the submitters: PubMed 11285252 (cited by 4 submitters); PubMed 20177705 (cited by Labcorp Genetics (formerly Invitae), Labcorp); PubMed 24608809 (cited by Labcorp Genetics (formerly Invitae), Labcorp); PubMed 26518167 (cited by Labcorp Genetics (formerly Invitae), Labcorp); PubMed 28559085 (cited by Labcorp Genetics (formerly Invitae), Labcorp); PubMed 22773737 (cited by Women's Health and Genetics/Laboratory Corporation of America, LabCorp and Counsyl); PubMed 20120035 (cited by Counsyl).

NM_031885.5(BBS2):c.814C>T (p.Arg272Ter)

Gene: BBS2 (Bardet-Biedl syndrome 2; minus strand). Cytogenetic location: 16q13.
Variant type: single nucleotide variant.
Coding change: c.814C>T on transcript NM_031885.5 (MANE Select); coding-DNA position 814, C replaced by T.
Protein change: p.Arg272Ter; replaces arginine 272 with a stop codon.
Molecular consequence: nonsense. On other transcripts: non-coding transcript variant (5).
Genome position (GRCh38, 1-based): chr16:56,502,799, G>A on the plus strand (C>T on the coding strand, the complement: BBS2 is on the minus strand). VCF-style: chr16-56502799-G-A. GRCh37 (hg19) VCF-style: chr16-56536711-G-A.
Other names: c.814C>T, p.Arg272Ter (NM_001377456.1); short protein forms R272*.
Identifiers: ClinVar variation 552219 (VCV000552219.26), dbSNP rs764164384, ClinGen allele CA8065909.